The following is an entry in ClinVar:

NM_006017.3(PROM1):c.2500A>G (p.Ile834Val)

Gene: PROM1 (prominin 1; minus strand). Cytogenetic location: 4p15.32.
Variant type: single nucleotide variant.
Coding change: c.2500A>G on transcript NM_006017.3 (MANE Select); coding-DNA position 2500, A replaced by G.
Protein change: p.Ile834Val; replaces isoleucine 834 with valine.
Molecular consequence: missense variant. On other transcripts: intron variant (4).
Genome position (GRCh38, 1-based): chr4:15,979,894, T>C on the plus strand (A>G on the coding strand, the complement: PROM1 is on the minus strand). VCF-style: chr4-15979894-T-C. GRCh37 (hg19) VCF-style: chr4-15981517-T-C.
Other names: c.2473A>G, p.Ile825Val (NM_001145847.2, NM_001145848.2, NM_001145851.2 and 1 more transcripts); c.2500A>G, p.Ile834Val (NM_001145849.2); c.2462+528A>G (NM_001145852.2, NM_001371408.1, NM_001371407.1); c.2489+528A>G (NM_001145850.2); short protein forms I834V, I825V.
Identifiers: ClinVar variation 2108405 (VCV002108405.4), dbSNP rs372496187, ClinGen allele CA356426156.

ClinVar aggregate classification (germline): Uncertain significance (1 of 4 stars; one submission).

gnomAD v4.1: 2 of 1,443,578 alleles (0.00014%); highest among the groups gnomAD compares: Non-Finnish European, 0.00019%; no homozygotes.

Submission:

Labcorp Genetics (formerly Invitae), Labcorp
Classification: Uncertain significance. Last evaluated: 2022-03-10. Review status: criteria provided, single submitter. Criteria: Invitae Variant Classification Sherloc (09022015). Collection method: clinical testing. Allele origin: germline.
Comment: This variant has not been reported in the literature in individuals affected with PROM1-related conditions. In summary, the available evidence is currently insufficient to determine the role of this variant in disease. Therefore, it has been classified as a Variant of Uncertain Significance. Algorithms developed to predict the effect of missense changes on protein structure and function output the following: SIFT: "Tolerated"; PolyPhen-2: "Benign"; Align-GVGD: "Class C0". The valine amino acid residue is found in multiple mammalian species, which suggests that this missense change does not adversely affect protein function. This variant is not present in population databases (gnomAD no frequency). This sequence change replaces isoleucine, which is neutral and non-polar, with valine, which is neutral and non-polar, at codon 834 of the PROM1 protein (p.Ile834Val).